The following is an entry in ClinVar:

ClinVar aggregate classification (germline): Uncertain significance (1 of 4 stars; one submission).

Submission:

GeneDx
Classification: Uncertain significance. Last evaluated: 2025-05-25. Review status: criteria provided, single submitter. Criteria: GeneDx Variant Classification Process June 2021. Collection method: clinical testing. Allele origin: germline. Affected: yes.
Comment: Not observed at significant frequency in large population cohorts (gnomAD); In silico analysis supports that this missense variant has a deleterious effect on protein structure/function; Has not been previously published as pathogenic or benign to our knowledge

NM_001378452.1(ITPR1):c.1709A>G (p.Asn570Ser)

Gene: ITPR1 (inositol 1,4,5-trisphosphate receptor type 1; plus strand). Cytogenetic location: 3p26.1.
Variant type: single nucleotide variant.
Coding change: c.1709A>G on transcript NM_001378452.1 (MANE Select); coding-DNA position 1709, A replaced by G.
Protein change: p.Asn570Ser; replaces asparagine 570 with serine.
Molecular consequence: missense variant.
Genome position (GRCh38, 1-based): chr3:4,665,292, A>G. VCF-style: chr3-4665292-A-G. GRCh37 (hg19) VCF-style: chr3-4706976-A-G.
Other names: c.1709A>G, p.Asn570Ser (NM_001099952.4); c.1664A>G, p.Asn555Ser (NM_001168272.2, NM_002222.7); short protein forms N555S, N570S.
Identifiers: ClinVar variation 4532478 (VCV004532478.1).
Genomic context (GRCh38, chr3:4,665,292, plus strand): 5'-GACACATCTGCCGGCTCTGCTACAGGGTGCTGAGACACTCGCAGCAAGACTACAGGAAGA[A>G]CCAGGTTTGGATTAAGCATTGGTGGGATGTGGTTGTCAGTTTCCTCCCTGAAGTTTGTGA-3'
Protein context (NP_001365381.1, residues 560-580): LRHSQQDYRK[Asn570Ser]QEYIAKQFGF